The following is an entry in ClinVar:

ClinVar aggregate classification (germline): Benign. Review status: criteria provided, multiple submitters, no conflicts (2 of 4 stars). 6 submissions from 5 submitters: Benign (6). Last evaluated 2026-01-26.

Conditions:
Susceptibility to mononeuropathy of the median nerve, mild. Also called: CARPAL TUNNEL SYNDROME, SUSCEPTIBILITY TO. Identifiers: MedGen C3150596, MONDO:0013237, OMIM 613353.
Charcot-Marie-Tooth disease type 4. Also called: Charcot-Marie-Tooth, Type 4; Charcot-Marie-Tooth disease, type IV. Identifiers: Orphanet 64749, MedGen C4082197, MONDO:0018995.
Charcot-Marie-Tooth disease type 4C (CMT4C). Also called: CHARCOT-MARIE-TOOTH DISEASE, DEMYELINATING, AUTOSOMAL RECESSIVE, TYPE 4C; CMT 4C; Charcot-Marie-Tooth Neuropathy Type 4C (CMT4C); CHARCOT-MARIE-TOOTH DISEASE, DEMYELINATING, TYPE 4C; SH3TC2-Related Hereditary Motor and Sensory Neuropathy. Identifiers: Orphanet 99949, MedGen C1866636, MONDO:0011113, OMIM 601596.

Allele frequency attached by ClinVar (database versions not stated): gnomAD exomes 0.00174 and 0.00447; ExAC 0.00528; 1000 Genomes Project 0.01418; 1000 Genomes Project 30x 0.01530; gnomAD 0.01624 and 0.01755; TOPMed 0.01867; ESP Exome Variant Server 0.01884.
gnomAD v4.1: 5,097 of 1,614,184 alleles (0.32%); highest among the groups gnomAD compares: African/African-American, 6%; 154 homozygotes.

Submissions (6):

Labcorp Genetics (formerly Invitae), Labcorp
Classification: Benign for Charcot-Marie-Tooth disease type 4. Last evaluated: 2026-01-26. Review status: criteria provided, single submitter. Criteria: Invitae Variant Classification Sherloc (09022015). Collection method: clinical testing. Allele origin: germline.

ARUP Laboratories, Molecular Genetics and Genomics, ARUP Laboratories
Classification: Benign. Last evaluated: 2023-11-29. Review status: criteria provided, single submitter. Criteria: ARUP Molecular Germline Variant Investigation Process 2024. Collection method: clinical testing. Allele origin: germline.

Illumina Laboratory Services, Illumina
Classification: Benign for Charcot-Marie-Tooth disease type 4C. Last evaluated: 2018-01-13. Review status: criteria provided, single submitter. Criteria: ICSL Variant Classification Criteria 13 December 2019. Collection method: clinical testing. Allele origin: germline.
Comment: This variant was observed in the ICSL laboratory as part of a predisposition screen in an ostensibly healthy population. It had not been previously curated by ICSL or reported in the Human Gene Mutation Database (HGMD: prior to June 1st, 2018), and was therefore a candidate for classification through an automated scoring system. Utilizing variant allele frequency, disease prevalence and penetrance estimates, and inheritance mode, an automated score was calculated to assess if this variant is too frequent to cause the disease. Based on the score and internal cut-off values, a variant classified as benign is not then subjected to further curation. The score for this variant resulted in a classification of benign for this disease.

Illumina Laboratory Services, Illumina
Classification: Benign for Susceptibility to mononeuropathy of the median nerve, mild. Last evaluated: 2018-01-13. Review status: criteria provided, single submitter. Criteria: ICSL Variant Classification Criteria 13 December 2019. Collection method: clinical testing. Allele origin: germline.
Comment: the same text as in the submission from Illumina Laboratory Services, Illumina above.

Mayo Clinic Laboratories, Mayo Clinic
Classification: Benign. Last evaluated: 2016-11-28. Review status: criteria provided, single submitter. Criteria: ACMG Guidelines, 2015. Collection method: clinical testing. Allele origin: germline. Observed: 15 variant alleles.

GeneDx
Classification: Benign. Last evaluated: 2015-03-03. Review status: criteria provided, single submitter. Criteria: GeneDx Variant Classification Process June 2021. Collection method: clinical testing. Allele origin: germline. Affected: yes.

NM_024577.4(SH3TC2):c.2872+9G>A

Gene: SH3TC2 (SH3 domain and tetratricopeptide repeats 2; minus strand). Cytogenetic location: 5q32.
Variant type: single nucleotide variant.
Coding change: c.2872+9G>A on transcript NM_024577.4 (MANE Select); 9 bases into the intron after coding-DNA position 2872, G replaced by A.
Molecular consequence: intron variant.
Genome position (GRCh38, 1-based): chr5:149,026,851, C>T on the plus strand (G>A on the coding strand, the complement: SH3TC2 is on the minus strand). VCF-style: chr5-149026851-C-T. GRCh37 (hg19) VCF-style: chr5-148406414-C-T.
Other names: p.?.
Identifiers: ClinVar variation 351903 (VCV000351903.27), dbSNP rs76488338, ClinGen allele CA3498917.